The following is an entry in ClinVar:

NM_000245.4(MET):c.*944A>G

Gene: MET (MET proto-oncogene, receptor tyrosine kinase; plus strand). Cytogenetic location: 7q31.2.
Variant type: single nucleotide variant.
Coding change: c.*944A>G on transcript NM_000245.4 (MANE Select); 944 bases downstream of the stop codon, A replaced by G.
Molecular consequence: 3 prime UTR variant.
Genome position (GRCh38, 1-based): chr7:116,797,068, A>G. VCF-style: chr7-116797068-A-G. GRCh37 (hg19) VCF-style: chr7-116437122-A-G.
Other names: c.*944A>G (NM_001127500.3, NM_001324402.2, LRG_662t1).
Identifiers: ClinVar variation 358709 (VCV000358709.5), dbSNP rs565768785, ClinGen allele CA10625174.

ClinVar aggregate classification (germline): Benign (1 of 4 stars; one submission).

Conditions:
Papillary renal cell carcinoma type 1 (RCCP1). Also called: RENAL CELL CARCINOMA, PAPILLARY, 1, SOMATIC; Renal adenocarcinoma; Renal cell carcinoma 1; Renal cell carcinoma, somatic. Identifiers: Orphanet 47044, MedGen C1336839, OMIM 605074, HP:0011797.

Allele frequency attached by ClinVar (database versions not stated): gnomAD exomes 0.00011; 1000 Genomes Project 0.00040; gnomAD 0.00072 and 0.00076; 1000 Genomes Project 30x 0.00078; TOPMed 0.00094.
gnomAD v4.1: 113 of 190,758 alleles (0.059%); highest among the groups gnomAD compares: African/African-American, 0.24%; no homozygotes.

Submission:

Illumina Laboratory Services, Illumina
Classification: Benign for Papillary renal cell carcinoma type 1. Last evaluated: 2018-01-13. Review status: criteria provided, single submitter. Criteria: ICSL Variant Classification Criteria 13 December 2019. Collection method: clinical testing. Allele origin: germline.
Comment: This variant was observed in the ICSL laboratory as part of a predisposition screen in an ostensibly healthy population. It had not been previously curated by ICSL or reported in the Human Gene Mutation Database (HGMD: prior to June 1st, 2018), and was therefore a candidate for classification through an automated scoring system. Utilizing variant allele frequency, disease prevalence and penetrance estimates, and inheritance mode, an automated score was calculated to assess if this variant is too frequent to cause the disease. Based on the score and internal cut-off values, a variant classified as benign is not then subjected to further curation. The score for this variant resulted in a classification of benign for this disease.